The following is an entry in ClinVar:

ClinVar aggregate classification (germline): Uncertain significance (0 of 4 stars; one submission).

Conditions:
Polycystic kidney disease. Also called: Polycystic kidney dysplasia; Kidney, Polycystic. Identifiers: MedGen C0022680, MeSH D007690, MONDO:0020642, HP:0000113.

Allele frequency attached by ClinVar (database versions not stated): ExAC 0.00001; gnomAD exomes 0.00001.
gnomAD v4.1: 3 of 1,609,454 alleles (0.00019%); highest among the groups gnomAD compares: South Asian, 0.0011%; no homozygotes.

Submission:

Department of Pathology and Laboratory Medicine, Sinai Health System
Classification: Uncertain significance for Polycystic Kidney disease. Review status: no assertion criteria provided. Collection method: clinical testing. Allele origin: unknown. Affected: yes. Study: The Canadian Open Genetics Repository (COGR).
Comment: The PKD1 p.Val1291= variant was not identified in the literature nor was it identified in the ClinVar, GeneInsight-COGR, LOVD 3.0, ADPKD Mutation Database, or PKD1-LOVD databases. The variant was identified in dbSNP (ID: rs753464188) database as â€šÃ„ÃºNAâ€šÃ„Ã¹. The variant was identified in control databases in 2 of 235444 chromosomes at a frequency of 0.000008 (Genome Aggregation Database Feb 27, 2017). Specifically the variant was identified in the European Non-Finnish population in 2 of 105506 chromosomes (freq: 0.00002), while the variant was not observed in the African, Other, Latino, Ashkenazi Jewish, East Asian, Finnish, and South Asian populations. In addition we cannot be certain that data from control databases is specific to PKD1 and not from one of the six PKD1 pseudogenes. The p.Val1291= variant is not expected to have clinical significance because it does not result in a change of amino acid and is not located in a known consensus splice site. However, 1 of 5 in silico or computational prediction software programs (SpliceSiteFinder, MaxEntScan, NNSPLICE, GeneSplicer, HumanSpliceFinder) predict a greater than 10% difference in splicing; this is not very predictive of pathogenicity. In summary, based on the above information, the clinical significance of this variant cannot be determined with certainty at this time. This variant is classified as a variant of uncertain significance.

NM_001009944.3(PKD1):c.3873C>G (p.Val1291=)

Gene: PKD1 (polycystin 1, transient receptor potential channel interacting; minus strand). Cytogenetic location: 16p13.3.
Variant type: single nucleotide variant.
Coding change: c.3873C>G on transcript NM_001009944.3 (MANE Select); coding-DNA position 3873, C replaced by G.
Protein change: p.Val1291=; no amino-acid change (valine 1291 retained).
Molecular consequence: synonymous variant.
Genome position (GRCh38, 1-based): chr16:2,111,294, G>C on the plus strand (C>G on the coding strand, the complement: PKD1 is on the minus strand). VCF-style: chr16-2111294-G-C. GRCh37 (hg19) VCF-style: chr16-2161295-G-C.
Other names: c.3873C>G, p.Val1291= (NM_000296.4).
Identifiers: ClinVar variation 997363 (VCV000997363.1), dbSNP rs753464188, ClinGen allele CA7832605.